The following is an entry in ClinVar:

NM_007294.4(BRCA1):c.2709T>A (p.Cys903Ter)

Gene: BRCA1 (BRCA1 DNA repair associated; minus strand). Cytogenetic location: 17q21.31.
Variant type: single nucleotide variant.
Coding change: c.2709T>A on transcript NM_007294.4 (MANE Select); coding-DNA position 2709, T replaced by A.
Protein change: p.Cys903Ter; replaces cysteine 903 with a stop codon.
Molecular consequence: nonsense. On other transcripts: intron variant (137).
Genome position (GRCh38, 1-based): chr17:43,092,822, A>T on the plus strand (T>A on the coding strand, the complement: BRCA1 is on the minus strand). VCF-style: chr17-43092822-A-T. GRCh37 (hg19) VCF-style: chr17-41244839-A-T.
Other names: c.2496T>A, p.Cys832Ter (NM_001407571.1, NM_001407897.1, NM_001407898.1 and 9 more transcripts); c.2709T>A, p.Cys903Ter (NM_001407581.1, NM_001407582.1, NM_001407602.1 and 30 more transcripts); c.2706T>A, p.Cys902Ter (NM_001407610.1, NM_001407611.1, NM_001407612.1 and 22 more transcripts); c.2700T>A, p.Cys900Ter (NM_001407646.1, NM_001407647.1); c.2586T>A, p.Cys862Ter (NM_001407648.1, NM_001407667.1, NM_001407668.1 and 19 more transcripts); c.2583T>A, p.Cys861Ter (NM_001407649.1, NM_001407670.1, NM_001407671.1 and 11 more transcripts); c.2631T>A, p.Cys877Ter (NM_001407653.1, NM_001407654.1, NM_001407655.1 and 4 more transcripts); c.2568T>A, p.Cys856Ter (NM_001407692.1, NM_001407694.1, NM_001407695.1 and 29 more transcripts); and 41 more; short protein forms C903*, C856*, C607*, C735*, C814*, C815*, C862*, C877*.
Identifiers: ClinVar variation 495221 (VCV000495221.16), dbSNP rs1555589094, ClinGen allele CA10596579.

ClinVar aggregate classification (germline): Pathogenic. Review status: criteria provided, multiple submitters, no conflicts (2 of 4 stars). 6 submissions from 5 submitters: Pathogenic (4). 2 of the submissions do not count toward it. Last evaluated 2026-03-06.

Conditions:
Fanconi anemia, complementation group S (FANCS). Identifiers: MedGen C4554406, MONDO:0054748, OMIM 617883.
Hereditary breast ovarian cancer syndrome. Also called: Breast and ovarian cancer; Hereditary breast and/or ovarian cancer syndrome; BRCA1- and BRCA2-Associated Hereditary Breast and Ovarian Cancer; Hereditary breast and ovarian cancer syndrome; Hereditary breast and ovarian cancer syndrome (HBOC); Hereditary breast and ovarian cancer. Identifiers: Orphanet 145, MedGen C0677776, MeSH D061325, MONDO:0003582. Disease mechanism: loss of function.
Breast-ovarian cancer, familial, susceptibility to, 1 (BROVCA1). Also called: BRCA1 Hereditary Breast and Ovarian Cancer; OVARIAN CANCER, SUSCEPTIBILITY TO. Identifiers: Orphanet 145, MedGen C2676676, MONDO:0011450, OMIM 604370. Disease mechanism: loss of function.
Hereditary cancer-predisposing syndrome. Also called: Tumor predisposition; Hereditary Cancer Syndrome; Hereditary neoplastic syndrome; Neoplastic Syndromes, Hereditary. Identifiers: Orphanet 140162, MedGen C0027672, MeSH D009386, MONDO:0015356.

Submissions (6):

Dasa
Classification: Pathogenic for Breast-ovarian cancer, familial, susceptibility to, 1. Last evaluated: 2026-03-06. Review status: criteria provided, single submitter. Criteria: DASA Assertion Criteria. Collection method: clinical testing. Allele origin: germline.
Comment: NM_007294.4(BRCA1):c.2709T>A (p.Cys903*) introduces a premature termination codon predicted to result in loss of normal protein function. Loss-of-function is an established mechanism of disease for this gene. Based on the available data, this variant is classified as pathogenic.

Quest Diagnostics Nichols Institute San Juan Capistrano
Classification: Pathogenic. Last evaluated: 2025-09-16. Review status: criteria provided, single submitter. Criteria: Quest Diagnostics criteria. Collection method: clinical testing. Allele origin: unknown.
Comment: The BRCA1 c.2709T>A (p.Cys903*) variant causes the premature termination of BRCA1 protein synthesis. This variant has been reported in the published literature in an individual with ovarian cancer (PMID: 36367610 (2023)) and in an individual with Fanconi anemia-like phenotype in the homozygous state (PMID: 29133208 (2018)). A different variant that results in the same amino acid change (BRCA2 c.2709_2710del (p.Cys903*)), has been reported in individuals with breast/ovarian cancer (PMID: 37762691 (2023), 32125938 (2020), 24549055 (2014)). This variant has not been reported in large, multi-ethnic general populations (Genome Aggregation Database). Based on the available information, this variant is classified as pathogenic.

Labcorp Genetics (formerly Invitae), Labcorp
Classification: Pathogenic for Hereditary breast ovarian cancer syndrome. Last evaluated: 2025-06-17. Review status: criteria provided, single submitter. Criteria: Invitae Variant Classification Sherloc (09022015). Collection method: clinical testing. Allele origin: germline.
Comment: This sequence change creates a premature translational stop signal (p.Cys903*) in the BRCA1 gene. It is expected to result in an absent or disrupted protein product. Loss-of-function variants in BRCA1 are known to be pathogenic (PMID: 20104584). This variant is not present in population databases (gnomAD no frequency). This premature translational stop signal has been observed in individual(s) with clinical features consistent with Fanconi anemia in the homozygous state. Additionally, this nonsense change has been observed in individual(s) with a personal and/or family history of breast and/or ovarian cancer in the heterozygous state (PMID: 24549055, 29133208). ClinVar contains an entry for this variant (Variation ID: 495221). For these reasons, this variant has been classified as Pathogenic.

Ambry Genetics
Classification: Pathogenic for Hereditary cancer-predisposing syndrome. Last evaluated: 2024-11-22. Review status: criteria provided, single submitter. Criteria: Ambry Variant Classification Scheme 2023. Collection method: clinical testing. Allele origin: germline.
Comment: The p.C903* pathogenic mutation (also known as c.2709T>A), located in coding exon 9 of the BRCA1 gene, results from a T to A substitution at nucleotide position 2709.This changes the amino acid from a cysteine to a stop codon within coding exon 9. This variant has been identified in the homozygous state in an individual with features consistent with Fanconi Anemia (Freire BL et al. Eur J Med Genet. 2018 Mar;61(3):130-133; Hughes T et al. Front Oncol. 2023 Dec;13:1278004). A different variant c.2709_2710del, resulting in the same protein change (p.Cys903*) was identified in a cohort of 767 high-risk breast and/or ovarian cancer patients (Cast&eacute;ra L et al. Eur J Hum Genet, 2014 Nov;22:1305-13). In addition to the information presented in the literature, this alteration is expected to result in loss of function by premature protein truncation or nonsense-mediated mRNA decay. As such, this alteration is interpreted as a disease-causing mutation. However, because this variant is identified in one or more patients with Fanconi Anemia it may be hypomorphic and thus, carriers of this variant and their families may present with reduced risks, and not with the typical clinical characteristics of a high-risk pathogenic BRCA1 alteration. As risk estimates are unknown at this time, clinical correlation is advised.

OMIM
Classification: Pathogenic for FANCONI ANEMIA, COMPLEMENTATION GROUP S. Last evaluated: 2019-04-16. Review status: no assertion criteria provided. Collection method: literature only. Allele origin: germline. Not counted in ClinVar's aggregate classification.

OMIM
Classification: Pathogenic for BREAST-OVARIAN CANCER, FAMILIAL, SUSCEPTIBILITY TO, 1. Last evaluated: 2019-04-16. Review status: no assertion criteria provided. Collection method: literature only. Allele origin: germline. Not counted in ClinVar's aggregate classification.

Literature cited by the submitters: PubMed 38146508 (cited by Quest Diagnostics Nichols Institute San Juan Capistrano and Ambry Genetics); PubMed 29712865 (cited by Quest Diagnostics Nichols Institute San Juan Capistrano and OMIM); PubMed 29133208 (cited by 4 submitters); PubMed 24549055 (cited by 3 submitters); PubMed 37762691 (cited by Quest Diagnostics Nichols Institute San Juan Capistrano); PubMed 32125938 (cited by Quest Diagnostics Nichols Institute San Juan Capistrano); PubMed 36367610 (cited by Quest Diagnostics Nichols Institute San Juan Capistrano); PubMed 20104584 (cited by Labcorp Genetics (formerly Invitae), Labcorp).